The following is an entry in ClinVar:

NM_001321571.2(CAMK2D):c.1100G>A (p.Ser367Asn)

Gene: CAMK2D (calcium/calmodulin dependent protein kinase II delta; minus strand). Cytogenetic location: 4q26.
Variant type: single nucleotide variant.
Coding change: c.1100G>A on transcript NM_001321571.2 (MANE Select); coding-DNA position 1100, G replaced by A.
Protein change: p.Ser367Asn; replaces serine 367 with asparagine.
Molecular consequence: missense variant.
Genome position (GRCh38, 1-based): chr4:113,500,498, C>T on the plus strand (G>A on the coding strand, the complement: CAMK2D is on the minus strand). VCF-style: chr4-113500498-C-T. GRCh37 (hg19) VCF-style: chr4-114421654-C-T.
Other names: c.998G>A, p.Ser333Asn (NM_001221.4, NM_172115.3, NM_172127.3 and 2 more transcripts); c.1040G>A, p.Ser347Asn (NM_001321566.2, NM_001321589.2, NM_001321590.2 and 4 more transcripts); c.1100G>A, p.Ser367Asn (NM_001321567.2, NM_001321569.2, NM_001321570.2 and 2 more transcripts); c.1073G>A, p.Ser358Asn (NM_001321568.2, NM_001321573.2, NM_001321587.2 and 1 more transcripts); c.1037G>A, p.Ser346Asn (NM_001321584.2, NM_001321588.2, NM_001321577.2); c.452G>A, p.Ser151Asn (NM_001321585.2, NM_001321578.2); c.1097G>A, p.Ser366Asn (NM_001321586.2, NM_001399855.1, NM_001399856.1); c.878G>A, p.Ser293Asn (NM_001399862.1); and 9 more; short protein forms S137N, S151N, S203N, S238N, S293N, S294N, S308N, S332N.
Identifiers: ClinVar variation 4083054 (VCV004083054.2).

ClinVar aggregate classification (germline): Uncertain significance (1 of 4 stars; one submission).

gnomAD v4.1: 1 of 1,600,790 alleles (0.000062%); highest among the groups gnomAD compares: Admixed American, 0.0017%; no homozygotes.

Submission:

GeneDx
Classification: Uncertain significance. Last evaluated: 2025-11-19. Review status: criteria provided, single submitter. Criteria: GeneDx Variant Classification Process June 2021. Collection method: clinical testing. Allele origin: germline.
Comment: Not observed at significant frequency in large population cohorts (gnomAD); In silico analysis suggests that this missense variant does not alter protein structure/function; Has not been previously published as pathogenic or benign to our knowledge